The following is an entry in ClinVar:

ClinVar aggregate classification (germline): Likely benign. Review status: criteria provided, multiple submitters, no conflicts (2 of 4 stars). 2 submissions from 2 submitters: Likely benign (2). Last evaluated 2024-10-29.

Allele frequency attached by ClinVar (database versions not stated): gnomAD exomes below 0.00001.
gnomAD v4.1: 1 of 1,614,208 alleles (0.000062%); highest among the groups gnomAD compares: Admixed American, 0.0017%; no homozygotes.

Submissions (2):

Women's Health and Genetics/Laboratory Corporation of America, LabCorp
Classification: Likely benign. Last evaluated: 2024-10-29. Review status: criteria provided, single submitter. Criteria: LabCorp Variant Classification Summary - May 2015. Collection method: clinical testing. Allele origin: germline.
Comment: Variant summary: HNF4A c.1167C>T alters a non-conserved nucleotide resulting in a synonymous change. Consensus agreement among computation tools predict no significant impact on normal splicing. However, these predictions have yet to be confirmed by functional studies. The variant allele was found at a frequency of 4e-06 in 251266 control chromosomes, predominantly at a frequency of 2.9e-05 within the Latino subpopulation in the gnomAD database. The available data on variant occurrences in the general population are insufficient to allow any conclusion about variant significance. To our knowledge, no occurrence of c.1167C>T in individuals affected with Maturity Onset Diabetes Of The Young 1/Neonatal Diabetes Mellitus and no experimental evidence demonstrating its impact on protein function have been reported. ClinVar contains an entry for this variant (Variation ID: 2860805). Based on the evidence outlined above, the variant was classified as likely benign.

Labcorp Genetics (formerly Invitae), Labcorp
Classification: Likely benign. Last evaluated: 2023-03-08. Review status: criteria provided, single submitter. Criteria: Invitae Variant Classification Sherloc (09022015). Collection method: clinical testing. Allele origin: germline.

NM_175914.5(HNF4A):c.1167C>T (p.His389=)

Gene: HNF4A (hepatocyte nuclear factor 4 alpha; plus strand). Cytogenetic location: 20q13.12.
Variant type: single nucleotide variant.
Coding change: c.1167C>T on transcript NM_175914.5 (MANE Select); coding-DNA position 1167, C replaced by T.
Protein change: p.His389=; no amino-acid change (histidine 389 retained).
Molecular consequence: synonymous variant.
Genome position (GRCh38, 1-based): chr20:44,428,438, C>T. VCF-style: chr20-44428438-C-T. GRCh37 (hg19) VCF-style: chr20-43057078-C-T.
Other names: c.1233C>T, p.His411= (NM_000457.6, NM_178849.3); c.1167C>T, p.His389= (NM_001030003.3); c.1212C>T, p.His404= (NM_001258355.2); c.1158C>T, p.His386= (NM_001287182.2, NM_001287183.2).
Identifiers: ClinVar variation 2860805 (VCV002860805.4), dbSNP rs1275263828, ClinGen allele CA510583385.
Genomic context (GRCh38, chr20:44,428,438, plus strand): 5'-TCACCTGATGCAGGAACATATGGGAACCAACGTCATCGTTGCCAACACAATGCCCACTCA[C>T]CTCAGCAACGGACAGATGTGTGAGTGGCCCCGACCCAGGGGACAGGCAGGTGGGCAAACT-3'
Protein context (NP_787110.2, residues 379-399): NVIVANTMPT[His389=]LSNGQMCEWP